The following is an entry in ClinVar:

NM_001267550.2(TTN):c.1206del (p.Ser403fs)

Gene: TTN (titin; minus strand). Cytogenetic location: 2q31.2.
Variant type: Deletion.
Coding change: c.1206del on transcript NM_001267550.2 (MANE Select); coding-DNA position 1206, one base deleted (T; older notation c.1206delT).
Protein change: p.Ser403fs; shifts the reading frame from serine 403.
Molecular consequence: frameshift variant.
Genome position (GRCh38, 1-based): chr2:178,794,961, A deleted on the plus strand (T on the coding strand, the reverse complement: TTN is on the minus strand). VCF-style (leftmost placement, unchanged base first): chr2-178794960-TA-T. GRCh37 (hg19) VCF-style: chr2-179659687-TA-T.
Other names: c.1206del, p.Ser403fs (NM_001256850.1, NM_003319.4, NM_133378.4 and 3 more transcripts); short protein forms S403fs.
Identifiers: ClinVar variation 2022360 (VCV002022360.4), dbSNP rs2534082478, ClinGen allele CA2580065250.

ClinVar aggregate classification (germline): Likely pathogenic (1 of 4 stars; one submission).

Conditions:
Autosomal recessive limb-girdle muscular dystrophy type 2J (LGMDR10). Also called: Limb-girdle muscular dystrophy, type 2J; MUSCULAR DYSTROPHY, LIMB-GIRDLE, AUTOSOMAL RECESSIVE 10. Identifiers: Orphanet 140922, MedGen C1837342, MONDO:0012127, OMIM 608807.
Dilated cardiomyopathy 1G (CMD1G). Identifiers: Orphanet 154, MedGen C1858763, MONDO:0011400, OMIM 604145.

Submission:

Labcorp Genetics (formerly Invitae), Labcorp
Classification: Likely pathogenic for Dilated cardiomyopathy 1G; Autosomal recessive limb-girdle muscular dystrophy type 2J. Last evaluated: 2024-10-18. Review status: criteria provided, single submitter. Criteria: Invitae Variant Classification Sherloc (09022015). Collection method: clinical testing. Allele origin: germline.
Comment: This sequence change creates a premature translational stop signal (p.Ser403Alafs*14) in the TTN gene. While this is not anticipated to result in nonsense mediated decay, it is expected to create a truncated TTN protein. This variant is not present in population databases (gnomAD no frequency). This variant has not been reported in the literature in individuals affected with TTN-related conditions. ClinVar contains an entry for this variant (Variation ID: 2022360). This variant is located in the Z band of TTN (PMID: 25589632). Truncating variants in this region have been reported in individuals affected with autosomal recessive centronuclear myopathy (PMID: 33449170, internal data). Truncating variants in this region have also been identified in individuals affected with autosomal dominant dilated cardiomyopathy and/or cardio-related conditions (PMID: 27869827, 32964742, internal data). In summary, the currently available evidence indicates that the variant is pathogenic, but additional data are needed to prove that conclusively. Therefore, this variant has been classified as Likely Pathogenic.

Literature cited by the submitters: PubMed 25589632; PubMed 33449170; PubMed 27869827; PubMed 32964742.